The following is an entry in ClinVar:

NM_003737.4(DCHS1):c.8062G>T (p.Ala2688Ser)

Gene: DCHS1 (dachsous cadherin-related 1; minus strand). Cytogenetic location: 11p15.4.
Variant type: single nucleotide variant.
Coding change: c.8062G>T on transcript NM_003737.4 (MANE Select); coding-DNA position 8062, G replaced by T.
Protein change: p.Ala2688Ser; replaces alanine 2688 with serine.
Molecular consequence: missense variant.
Genome position (GRCh38, 1-based): chr11:6,623,614, C>A on the plus strand (G>T on the coding strand, the complement: DCHS1 is on the minus strand). VCF-style: chr11-6623614-C-A. GRCh37 (hg19) VCF-style: chr11-6644845-C-A.
Other names: c.8062G>T (NM_003737.3); short protein forms A2688S.
Identifiers: ClinVar variation 3838521 (VCV003838521.2).

ClinVar aggregate classification (germline): Uncertain significance. Review status: criteria provided, multiple submitters, no conflicts (2 of 4 stars). 2 submissions from 2 submitters: Uncertain significance (2). Last evaluated 2025-09-15.

Conditions:
DCHS1-related disorder. Also called: DCHS1-related condition.
Inborn genetic diseases. Identifiers: MedGen C0950123, MeSH D030342.

gnomAD v4.1: 8 of 1,613,846 alleles (0.0005%); highest among the groups gnomAD compares: African/African-American, 0.0053%; no homozygotes.

Submissions (2):

PreventionGenetics, part of Exact Sciences
Classification: Uncertain significance for DCHS1-related condition. Last evaluated: 2025-09-15. Review status: criteria provided, single submitter. Criteria: ACMG Guidelines, 2015. Collection method: clinical testing. Allele origin: germline.
Comment: The DCHS1 c.8062G>T variant is predicted to result in the amino acid substitution p.Ala2688Ser. To our knowledge, this variant has not been reported in the literature or in a large population database (gnomAD), indicating this variant is rare. At this time, the clinical significance of this variant is uncertain due to the absence of conclusive functional and genetic evidence.

Ambry Genetics
Classification: Uncertain significance for Inborn genetic diseases. Last evaluated: 2025-01-24. Review status: criteria provided, single submitter. Criteria: Ambry Variant Classification Scheme 2023. Collection method: clinical testing. Allele origin: germline.